The following is an entry in ClinVar:

ClinVar aggregate classification (germline): Uncertain significance. Review status: criteria provided, multiple submitters, no conflicts (2 of 4 stars). 2 submissions from 2 submitters: Uncertain significance (2). Last evaluated 2026-06-11.

Conditions:
Inborn genetic diseases. Identifiers: MedGen C0950123, MeSH D030342.
ANKRD17-related disorder. Also called: ANKRD17-related condition.

Submissions (2):

PreventionGenetics, part of Exact Sciences
Classification: Uncertain significance for ANKRD17-related condition. Last evaluated: 2026-06-11. Review status: criteria provided, single submitter. Criteria: ACMG Guidelines, 2015. Collection method: clinical testing. Allele origin: germline.
Comment: The ANKRD17 c.4997C>G variant is predicted to result in the amino acid substitution p.Ser1666Cys. To our knowledge, this variant has not been reported in the literature or in a large population database (gnomAD), indicating this variant is rare. At this time, the clinical significance of this variant is uncertain due to the absence of conclusive functional and genetic evidence.

Ambry Genetics
Classification: Uncertain significance for Inborn genetic diseases. Last evaluated: 2024-01-02. Review status: criteria provided, single submitter. Criteria: Ambry Variant Classification Scheme 2023. Collection method: clinical testing. Allele origin: germline.

NM_032217.5(ANKRD17):c.4997C>G (p.Ser1666Cys)

Gene: ANKRD17 (ankyrin repeat domain 17; minus strand). Cytogenetic location: 4q13.3.
Variant type: single nucleotide variant.
Coding change: c.4997C>G on transcript NM_032217.5 (MANE Select); coding-DNA position 4997, C replaced by G.
Protein change: p.Ser1666Cys; replaces serine 1666 with cysteine.
Molecular consequence: missense variant.
Genome position (GRCh38, 1-based): chr4:73,098,097, G>C on the plus strand (C>G on the coding strand, the complement: ANKRD17 is on the minus strand). VCF-style: chr4-73098097-G-C. GRCh37 (hg19) VCF-style: chr4-73963814-G-C.
Other names: c.4658C>G, p.Ser1553Cys (NM_001286771.3); c.4994C>G, p.Ser1665Cys (NM_015574.2); c.4244C>G, p.Ser1415Cys (NM_198889.3); c.4997C>G (NM_032217.4); short protein forms S1415C, S1666C, S1553C, S1665C.
Identifiers: ClinVar variation 3123568 (VCV003123568.2), dbSNP rs2530247122, ClinGen allele CA357201399.